The following is an entry in ClinVar:

ClinVar aggregate classification (germline): Conflicting classifications of pathogenicity. Review status: criteria provided, conflicting classifications (1 of 4 stars). 5 submissions from 5 submitters: Uncertain significance (4); Likely benign (1). Last evaluated 2025-07-23.

Conditions:
Hereditary cancer-predisposing syndrome. Also called: Tumor predisposition; Hereditary neoplastic syndrome; Neoplastic Syndromes, Hereditary; Hereditary Cancer Syndrome. Identifiers: Orphanet 140162, MedGen C0027672, MeSH D009386, MONDO:0015356.
Lynch syndrome. Identifiers: Orphanet 144, MedGen C4552100, MONDO:0005835. Disease mechanism: loss of function.
Hereditary nonpolyposis colorectal neoplasms. Identifiers: MedGen C0009405, MeSH D003123.

Allele frequency attached by ClinVar (database versions not stated): gnomAD exomes below 0.00001; gnomAD 0.00001; TOPMed 0.00001.
gnomAD v4.1: 3 of 1,614,028 alleles (0.00019%); highest among the groups gnomAD compares: African/African-American, 0.0027%; no homozygotes.

Submissions (5):

Labcorp Genetics (formerly Invitae), Labcorp
Classification: Likely benign for Hereditary nonpolyposis colorectal neoplasms. Last evaluated: 2025-07-23. Review status: criteria provided, single submitter. Criteria: Invitae Variant Classification Sherloc (09022015). Collection method: clinical testing. Allele origin: germline.

All of Us Research Program, National Institutes of Health
Classification: Uncertain significance for Lynch syndrome. Last evaluated: 2024-05-09. Review status: criteria provided, single submitter. Criteria: ACMG Guidelines, 2015. Collection method: clinical testing. Allele origin: germline. Inheritance: Autosomal dominant inheritance. Observed: 2 variant alleles, 2 heterozygotes.
Comment: This study involves interpretation of variants in research participants for the purpose of population health screening. Participant phenotype was not available at the time of variant classification. Additional details can be found in publication PMID: 35346344, PMCID: PMC8962531

Ambry Genetics
Classification: Uncertain significance for Hereditary cancer-predisposing syndrome. Last evaluated: 2023-10-02. Review status: criteria provided, single submitter. Criteria: Ambry Variant Classification Scheme 2023. Collection method: clinical testing. Allele origin: germline.
Comment: The p.A737V variant (also known as c.2210C>T), located in coding exon 4 of the MSH6 gene, results from a C to T substitution at nucleotide position 2210. The alanine at codon 737 is replaced by valine, an amino acid with similar properties. This variant was identified in an individual whose colorectal tumor demonstrated normal mismatch repair protein expression by immunohistochemistry (IHC) (Shirts BH et al. Genet Med, 2016 Oct;18:974-81). This amino acid position is not well conserved in available vertebrate species. In addition, the in silico prediction for this alteration is inconclusive. Since supporting evidence is limited at this time, the clinical significance of this alteration remains unclear.

Color Diagnostics, LLC DBA Color Health
Classification: Uncertain significance for Hereditary cancer-predisposing syndrome. Last evaluated: 2018-10-19. Review status: criteria provided, single submitter. Criteria: ACMG Guidelines, 2015. Collection method: clinical testing. Allele origin: germline.

University of Washington Department of Laboratory Medicine, University of Washington
Classification: Uncertain significance for Hereditary nonpolyposis colon cancer. Last evaluated: 2015-11-20. Review status: criteria provided, single submitter. Criteria: Shirts et al. (Genet Med 2016). Collection method: clinical testing. Allele origin: germline. Affected: yes. Observed: 1 variant allele.

Literature cited by the submitters: PubMed 26845104 (cited by Ambry Genetics).

NM_000179.3(MSH6):c.2210C>T (p.Ala737Val)

Gene: MSH6 (mutS homolog 6; plus strand). Cytogenetic location: 2p16.3.
Variant type: single nucleotide variant.
Coding change: c.2210C>T on transcript NM_000179.3 (MANE Select); coding-DNA position 2210, C replaced by T.
Protein change: p.Ala737Val; replaces alanine 737 with valine.
Molecular consequence: missense variant.
Genome position (GRCh38, 1-based): chr2:47,800,193, C>T. VCF-style: chr2-47800193-C-T. GRCh37 (hg19) VCF-style: chr2-48027332-C-T.
Other names: c.1820C>T, p.Ala607Val (NM_001281492.2); c.1304C>T, p.Ala435Val (NM_001281493.2, NM_001281494.2); short protein forms A737V, A435V, A607V.
Identifiers: ClinVar variation 224581 (VCV000224581.19), dbSNP rs869312798, ClinGen allele CA357802.